The following is an entry in ClinVar:

ClinVar aggregate classification (germline): Uncertain significance (1 of 4 stars; one submission).

Conditions:
Fanconi anemia (FA). Also called: Fanconi's anemia. Identifiers: Orphanet 84, MedGen C0015625, MeSH D005199, MONDO:0019391.

Allele frequency attached by ClinVar (database versions not stated): gnomAD exomes below 0.00001; ExAC 0.00001.
gnomAD v4.1: 1 of 1,612,546 alleles (0.000062%); highest among the groups gnomAD compares: South Asian, 0.0011%; no homozygotes.

Submission:

Sema4
Classification: Uncertain significance for Fanconi anemia. Last evaluated: 2021-05-31. Review status: criteria provided, single submitter. Criteria: Sema4 Curation Guidelines. Collection method: curation. Allele origin: germline.
Comment: The FANCD2 c.2178T>C (p.S726=) variant has not been reported in the literature to our knowledge. It was observed in 1/30616 chromosomes of the South Asian subpopulation in the large and broad cohorts of the Genome Aggregation Database (PMID: 32461654). The variant has not been reported in ClinVar. The c.2178T>C variant involves moderately conserved nucleotide. In silico tools via Alamut calculate elimination of binding sites for exonic splicing enhancers, however the effect of this prediction has not been functionally validated. The evidence is insufficient to meet ACMG/AMP criteria for classifying the variant as benign or pathogenic. Thus, the clinical significance of this variant is currently uncertain.

NM_001018115.3(FANCD2):c.2178T>C (p.Ser726=)

Genes: FANCD2 (FA complementation group D2; plus strand), LOC107303338 (3p25 FANCD2 Alu-mediated recombination region; plus strand). Cytogenetic location: 3p25.3.
Variant type: single nucleotide variant.
Coding change: c.2178T>C on transcript NM_001018115.3 (MANE Select); coding-DNA position 2178, T replaced by C.
Protein change: p.Ser726=; no amino-acid change (serine 726 retained).
Molecular consequence: synonymous variant.
Genome position (GRCh38, 1-based): chr3:10,065,403, T>C. VCF-style: chr3-10065403-T-C. GRCh37 (hg19) VCF-style: chr3-10107087-T-C.
Other names: c.2178T>C, p.Ser726= (NM_001319984.2, NM_001374254.1, NM_033084.6); c.2067T>C, p.Ser689= (NM_001374253.1).
Identifiers: ClinVar variation 1692042 (VCV001692042.1), dbSNP rs761465333, ClinGen allele CA2249997.